The following is an entry in ClinVar:

NM_001080421.3(UNC13A):c.633G>A (p.Pro211=)

Gene: UNC13A (unc-13 homolog A; minus strand). Cytogenetic location: 19p13.11.
Variant type: single nucleotide variant.
Coding change: c.633G>A on transcript NM_001080421.3 (MANE Select); coding-DNA position 633, G replaced by A.
Protein change: p.Pro211=; no amino-acid change (proline 211 retained).
Molecular consequence: synonymous variant.
Genome position (GRCh38, 1-based): chr19:17,658,196, C>T on the plus strand (G>A on the coding strand, the complement: UNC13A is on the minus strand). VCF-style: chr19-17658196-C-T. GRCh37 (hg19) VCF-style: chr19-17769005-C-T.
Other names: c.633G>A, p.Pro211= (NM_001387021.1, NM_001387022.1, NM_001387023.1).
Identifiers: ClinVar variation 3034470 (VCV003034470.2), dbSNP rs372207277, ClinGen allele CA9298695.

ClinVar aggregate classification (germline): Likely benign (0 of 4 stars; one submission).

Conditions:
UNC13A-related disorder. Also called: UNC13A-related condition.

Allele frequency attached by ClinVar (database versions not stated): gnomAD exomes 0.00007; ExAC 0.00028; ESP Exome Variant Server 0.00047; gnomAD 0.00050; TOPMed 0.00052; 1000 Genomes Project 0.00100; 1000 Genomes Project 30x 0.00109.
gnomAD v4.1: 179 of 1,613,874 alleles (0.011%); highest among the groups gnomAD compares: African/African-American, 0.16%; 3 homozygotes.

Submission:

PreventionGenetics, part of Exact Sciences
Classification: Likely benign for UNC13A-related condition. Last evaluated: 2019-06-12. Review status: no assertion criteria provided. Collection method: clinical testing. Allele origin: germline.
Comment: This variant is classified as likely benign based on ACMG/AMP sequence variant interpretation guidelines (Richards et al. 2015 PMID: 25741868, with internal and published modifications).